The following is an entry in ClinVar:

ClinVar aggregate classification (germline): Conflicting classifications of pathogenicity. Review status: criteria provided, conflicting classifications (1 of 4 stars). 6 submissions from 6 submitters: Uncertain significance (1); Likely benign (5). Last evaluated 2026-02-01.

Conditions:
Cardiomyopathy (CMYO). Also called: Cardiomyopathies. Identifiers: Orphanet 167848, MedGen C0878544, MONDO:0004994, HP:0001638. Inheritance: Various modes of inheritance.
Dilated cardiomyopathy 1DD (CMD1DD). Identifiers: Orphanet 154, MedGen C2750995, MONDO:0013168, OMIM 613172.
Cardiovascular phenotype. Identifiers: MedGen CN230736.

Allele frequency attached by ClinVar (database versions not stated): TOPMed 0.00002; gnomAD 0.00003 and 0.00004.
gnomAD v4.1: 70 of 1,527,166 alleles (0.0046%); highest among the groups gnomAD compares: Middle Eastern, 0.023%; no homozygotes.

Submissions (6):

Labcorp Genetics (formerly Invitae), Labcorp
Classification: Likely benign for Dilated cardiomyopathy 1DD. Last evaluated: 2026-02-01. Review status: criteria provided, single submitter. Criteria: Invitae Variant Classification Sherloc (09022015). Collection method: clinical testing. Allele origin: germline.

Molecular Diagnostic Laboratory for Inherited Cardiovascular Disease, Montreal Heart Institute
Classification: Likely benign. Last evaluated: 2025-04-09. Review status: criteria provided, single submitter. Criteria: ACMG Guidelines, 2015. Collection method: clinical testing. Allele origin: germline. Affected: no.

Blueprint Genetics
Classification: Likely benign. Last evaluated: 2024-11-05. Review status: criteria provided, single submitter. Criteria: ACMG Guidelines, 2015. Collection method: clinical testing. Allele origin: germline.

Ambry Genetics
Classification: Likely benign for Cardiovascular phenotype. Last evaluated: 2021-12-17. Review status: criteria provided, single submitter. Criteria: Ambry Variant Classification Scheme 2023. Collection method: clinical testing. Allele origin: germline.

GeneDx
Classification: Likely benign. Last evaluated: 2017-05-24. Review status: criteria provided, single submitter. Criteria: GeneDx Variant Classification (06012015). Collection method: clinical testing. Allele origin: germline. Affected: yes.
Comment: This variant is considered likely benign or benign based on one or more of the following criteria: it is a conservative change, it occurs at a poorly conserved position in the protein, it is predicted to be benign by multiple in silico algorithms, and/or has population frequency not consistent with disease.

CHEO Genetics Diagnostic Laboratory, Children's Hospital of Eastern Ontario
Classification: Uncertain significance for Cardiomyopathy. Last evaluated: 2016-04-11. Review status: criteria provided, single submitter. Criteria: ACMG Guidelines, 2015. Collection method: clinical testing. Allele origin: germline. Study: Canadian Open Genetics Repository.

NM_001134363.3(RBM20):c.57G>T (p.Pro19=)

Gene: RBM20 (RNA binding motif protein 20; plus strand). Cytogenetic location: 10q25.2.
Variant type: single nucleotide variant.
Coding change: c.57G>T on transcript NM_001134363.3 (MANE Select); coding-DNA position 57, G replaced by T.
Protein change: p.Pro19=; no amino-acid change (proline 19 retained).
Molecular consequence: synonymous variant.
Genome position (GRCh38, 1-based): chr10:110,644,511, G>T. VCF-style: chr10-110644511-G-T. GRCh37 (hg19) VCF-style: chr10-112404269-G-T.
Other names: c.57G>T (LRG_382t1).
Identifiers: ClinVar variation 386030 (VCV000386030.17), dbSNP rs781263787, ClinGen allele CA16605602.